The following is an entry in ClinVar:

ClinVar aggregate classification (germline): Pathogenic (1 of 4 stars; one submission).

Conditions:
Familial focal epilepsy with variable foci (FPEVF). Identifiers: Orphanet 98820, MedGen C1858477, MONDO:0020310.

Submission:

Labcorp Genetics (formerly Invitae), Labcorp
Classification: Pathogenic for Familial focal epilepsy with variable foci. Last evaluated: 2019-10-10. Review status: criteria provided, single submitter. Criteria: Invitae Variant Classification Sherloc (09022015). Collection method: clinical testing. Allele origin: germline.
Comment: This variant is not present in population databases (ExAC no frequency). For these reasons, this variant has been classified as Pathogenic. This variant disrupts the C-terminus of the DEPDC5 protein. Other variant(s) that disrupt this region (p.Gln1536*) have been determined to be pathogenic (PMID: 23542697, 25366275). This suggests that variants that disrupt this region of the protein are likely to be causative of disease. This variant has not been reported in the literature in individuals with DEPDC5-related conditions. This sequence change results in a premature translational stop signal in the DEPDC5 gene (p.Leu1511Cysfs*63). While this is not anticipated to result in nonsense mediated decay, it is expected to disrupt the last 93 amino acids of the DEPDC5 protein.

Literature cited by the submitters: PubMed 23542697; PubMed 25366275.

NM_001242896.3(DEPDC5):c.4530del (p.Leu1511fs)

Gene: DEPDC5 (DEP domain containing 5, GATOR1 subcomplex subunit; plus strand). Cytogenetic location: 22q12.3.
Variant type: Deletion.
Coding change: c.4530del on transcript NM_001242896.3 (MANE Select); coding-DNA position 4530, one base deleted (T; older notation c.4530delT).
Protein change: p.Leu1511fs; shifts the reading frame from leucine 1511.
Molecular consequence: frameshift variant. On other transcripts: non-coding transcript variant (5).
Genome position (GRCh38, 1-based): chr22:31,906,215, T deleted; the last of 3 consecutive T bases (chr22:31,906,213-31,906,215); deleting any one gives the same sequence. VCF-style (leftmost placement, unchanged base first): chr22-31906212-GT-G. GRCh37 (hg19) VCF-style: chr22-32302198-GT-G.
Other names: c.4503del, p.Leu1502fs (NM_001136029.4); c.4230del, p.Leu1411fs (NM_001242897.2); c.4464del, p.Leu1489fs (NM_001363852.2, NM_001364320.2); c.4296del, p.Leu1433fs (NM_001363854.2, NM_001364319.2); c.4530del, p.Leu1511fs (NM_001364318.2); c.4446del, p.Leu1483fs (NM_001369901.1, NM_001369902.1); c.4437del, p.Leu1480fs (NM_001369903.1, NM_014662.6); short protein forms L1480fs, L1483fs, L1511fs, L1411fs, L1489fs, L1433fs, L1502fs.
Identifiers: ClinVar variation 956751 (VCV000956751.9), dbSNP rs2093755806, ClinGen allele CA1139667092.
Genomic context (GRCh38, chr22:31,906,212, plus strand): 5'-GCTCCAGGAGCCCTCCTGGTGGCTGCCACACAGGCGCTCCCCTTTCTCTTCAGGAACAGT[GT>G]TTCTGCAGCTGCCCTACTCCAAGCGCAAGTTCTCAGGGCAGCAGCGGCGGCGGCGGAACT-3'